The following is an entry in ClinVar:

NM_001370259.2(MEN1):c.981C>A (p.Tyr327Ter)

Gene: MEN1 (menin 1; minus strand). Cytogenetic location: 11q13.1.
Variant type: single nucleotide variant.
Coding change: c.981C>A on transcript NM_001370259.2 (MANE Select); coding-DNA position 981, C replaced by A.
Protein change: p.Tyr327Ter; replaces tyrosine 327 with a stop codon.
Molecular consequence: nonsense. On other transcripts: non-coding transcript variant (4).
Genome position (GRCh38, 1-based): chr11:64,806,300, G>T on the plus strand (C>A on the coding strand, the complement: MEN1 is on the minus strand). VCF-style: chr11-64806300-G-T. GRCh37 (hg19) VCF-style: chr11-64573772-G-T.
Other names: c.876C>A, p.Tyr292Ter (NM_001407151.1, NM_001370262.2, NM_001370263.2 and 2 more transcripts); c.981C>A, p.Tyr327Ter (NM_001407152.1, NM_130799.3, NM_001370251.2 and 7 more transcripts); c.996C>A, p.Tyr332Ter (NM_130800.3, NM_130801.3, NM_130802.3 and 5 more transcripts); short protein forms Y292*, Y327*, Y332*.
Identifiers: ClinVar variation 3340686 (VCV003340686.3).

ClinVar aggregate classification (germline): Pathogenic. Review status: criteria provided, multiple submitters, no conflicts (2 of 4 stars). 2 submissions from 2 submitters: Pathogenic (2). Last evaluated 2024-09-12.

Conditions:
Multiple endocrine neoplasia, type 1 (MEN1). Also called: MEA I; MEN I; WERMER SYNDROME; Endocrine adenomatosis multiple; MEN 1. Identifiers: Orphanet 652, MedGen C0025267, MeSH D018761, MONDO:0007540, OMIM 131100.

Submissions (2):

Labcorp Genetics (formerly Invitae), Labcorp
Classification: Pathogenic for Multiple endocrine neoplasia, type 1. Last evaluated: 2024-09-12. Review status: criteria provided, single submitter. Criteria: Invitae Variant Classification Sherloc (09022015). Collection method: clinical testing. Allele origin: germline.
Comment: This sequence change creates a premature translational stop signal (p.Tyr327*) in the MEN1 gene. It is expected to result in an absent or disrupted protein product. Loss-of-function variants in MEN1 are known to be pathogenic (PMID: 12112656, 17853334). This variant is not present in population databases (gnomAD no frequency). This variant has not been reported in the literature in individuals affected with MEN1-related conditions. For these reasons, this variant has been classified as Pathogenic.

GeneDx
Classification: Pathogenic. Last evaluated: 2023-09-01. Review status: criteria provided, single submitter. Criteria: GeneDx Variant Classification Process June 2021. Collection method: clinical testing. Allele origin: germline. Affected: yes.
Comment: Nonsense variant predicted to result in protein truncation or nonsense mediated decay in a gene for which loss of function is a known mechanism of disease; Not observed at significant frequency in large population cohorts (gnomAD); Reported in association with multiple endocrine neoplasia type 1 in published literature (Romanet et al., 2019); This variant is associated with the following publications: (PMID: 30339208)

Literature cited by the submitters: PubMed 12112656 (cited by Labcorp Genetics (formerly Invitae), Labcorp); PubMed 17853334 (cited by Labcorp Genetics (formerly Invitae), Labcorp).